The following is an entry in ClinVar:

NM_021625.5(TRPV4):c.1585-1G>A

Gene: TRPV4 (transient receptor potential cation channel subfamily V member 4; minus strand). Cytogenetic location: 12q24.11.
Variant type: single nucleotide variant.
Coding change: c.1585-1G>A on transcript NM_021625.5 (MANE Select); the canonical splice acceptor site of the intron before coding-DNA position 1585, G replaced by A.
Molecular consequence: splice acceptor variant.
Genome position (GRCh38, 1-based): chr12:109,793,601, C>T on the plus strand (G>A on the coding strand, the complement: TRPV4 is on the minus strand). VCF-style: chr12-109793601-C-T. GRCh37 (hg19) VCF-style: chr12-110231406-C-T.
Other names: c.1264-1G>A (NM_001177433.1); c.1444-1G>A (NM_001177428.1); c.1405-1G>A (NM_147204.2); c.1483-1G>A (NM_001177431.1).
Identifiers: ClinVar variation 3618911 (VCV003618911.2).
Genomic context (GRCh38, chr12:109,793,601, plus strand): 5'-GGAGCCATCAATGAAGAGAGAATTCACTCCAGGGCATTTCTTCATGAACAAGTCTTTGAT[C>T]TGGAAGACAGGAGGGGGCACGTGAAAGGGGTGGGGCCAGCAGGAGAGGAGAGGAGGAGAG-3'

ClinVar aggregate classification (germline): Uncertain significance (1 of 4 stars; one submission).

Conditions:
Charcot-Marie-Tooth disease axonal type 2C (HMSN2C). Also called: CHARCOT-MARIE-TOOTH DISEASE, AXONAL, AUTOSOMAL DOMINANT, TYPE 2C; Charcot-Marie-Tooth Neuropathy Type 2C; Charcot-Marie-Tooth Disease Type 2, TRPV4-Related (CMT2C). Identifiers: Orphanet 99937, MedGen C1853710, MONDO:0011633, OMIM 606071.

Submission:

Labcorp Genetics (formerly Invitae), Labcorp
Classification: Uncertain significance for Charcot-Marie-Tooth disease axonal type 2C. Last evaluated: 2025-06-24. Review status: criteria provided, single submitter. Criteria: Invitae Variant Classification Sherloc (09022015). Collection method: clinical testing. Allele origin: germline.
Comment: This sequence change affects an acceptor splice site in intron 9 of the TRPV4 gene. It is expected to disrupt RNA splicing. Variants that disrupt the donor or acceptor splice site typically lead to a loss of protein function (PMID: 16199547), however the current clinical and genetic evidence is not sufficient to establish whether loss-of-function variants in TRPV4 cause disease. This variant is not present in population databases (gnomAD no frequency). This variant has not been reported in the literature in individuals affected with TRPV4-related conditions. ClinVar contains an entry for this variant (Variation ID: 3618911). Algorithms developed to predict the effect of sequence changes on RNA splicing suggest that this variant may disrupt the consensus splice site. In summary, the available evidence is currently insufficient to determine the role of this variant in disease. Therefore, it has been classified as a Variant of Uncertain Significance.

Literature cited by the submitters: PubMed 16199547.